The following is an entry in ClinVar:

ClinVar aggregate classification (germline): Likely pathogenic. Review status: criteria provided, multiple submitters, no conflicts (2 of 4 stars). 3 submissions from 3 submitters: Likely pathogenic (3). Last evaluated 2026-08-25.

Conditions:
Nephronophthisis. Also called: Juvenile Nephronophthisis. Identifiers: Orphanet 655, MedGen C0687120, MONDO:0019005, HP:0000090.
Joubert syndrome. Also called: Familial aplasia of the vermis; JOUBERT-BOLTSHAUSER SYNDROME. Identifiers: Orphanet 475, MedGen C5979921, MONDO:0018772.
Meckel-Gruber syndrome. Also called: Dysencephalia splachnocystica; DYSENCEPHALIA SPLANCHNOCYSTICA; GRUBER SYNDROME. Identifiers: Orphanet 564, MedGen C0265215, MONDO:0018921.
CEP290-related ciliopathy. Also called: CEP290 ciliopathy. Identifiers: MedGen CN305601, MONDO:0100451.
Leber congenital amaurosis (LCA). Also called: Leber's amaurosis. Identifiers: Orphanet 65, MedGen C0339527, MeSH D057130, MONDO:0018998.

Allele frequency attached by ClinVar (database versions not stated): gnomAD exomes 0.00002; ExAC 0.00003.
gnomAD v4.1: 5 of 1,565,322 alleles (0.00032%); highest among the groups gnomAD compares: South Asian, 0.0049%; no homozygotes.

Submissions (3):

Myriad Genetics, Inc.
Classification: Likely pathogenic for CEP290-related ciliopathy. Last evaluated: 2026-08-25. Review status: criteria provided, single submitter. Criteria: Myriad Autosomal Dominant, Autosomal Recessive and X-Linked Classification Criteria (2023). Collection method: clinical testing. Allele origin: unknown.
Comment: NM_025114.3(CEP290):c.181-1G>A is a variant in a canonical splice site classified as likely pathogenic in the context of CEP290-related disorders. c.181-1G>A has not been observed in cases with relevant disease. Relevant functional assessments of this variant are not available in the literature. c.181-1G>A has been observed in referenced population frequency databases. In summary, NM_025114.3(CEP290):c.181-1G>A is a variant in a canonical splice site in a gene where loss of function is a known mechanism of disease and is predicted to disrupt protein function. Please note: this variant was assessed in the context of healthy population screening.

Natera, Inc.
Classification: Likely pathogenic for Leber congenital amaurosis. Last evaluated: 2024-05-03. Review status: criteria provided, single submitter. Criteria: Natera Variant Classification Schema (03/2026). Collection method: clinical testing. Allele origin: germline.
Comment: The c.181-1G>A variant in CEP290 is a canonical splice acceptor site variant predicted to affect pre-mRNA splicing, which may result in an abnormal transcript and altered protein product. This variant is expected to result in nonsense mediated decay, truncation, or a dysfunctional protein product. This variant is rare in the general population with a frequency below the threshold expected for the associated phenotype(s). Given the available evidence, this variant is classified as Likely Pathogenic.

Labcorp Genetics (formerly Invitae), Labcorp
Classification: Likely pathogenic for Joubert syndrome; Meckel-Gruber syndrome; Nephronophthisis. Last evaluated: 2020-11-11. Review status: criteria provided, single submitter. Criteria: Invitae Variant Classification Sherloc (09022015). Collection method: clinical testing. Allele origin: germline.
Comment: In summary, the currently available evidence indicates that the variant is pathogenic, but additional data are needed to prove that conclusively. Therefore, this variant has been classified as Likely Pathogenic. This sequence change affects an acceptor splice site in intron 3 of the CEP290 gene. It is expected to disrupt RNA splicing. Variants that disrupt the donor or acceptor splice site typically lead to a loss of protein function (PMID: 16199547), and loss-of-function variants in CEP290 are known to be pathogenic (PMID: 16909394, 17345604, 20690115, 25377065, 28559085). This variant is present in population databases (rs281865190, ExAC 0.02%). This variant has not been reported in the literature in individuals with CEP290-related conditions. Algorithms developed to predict the effect of sequence changes on RNA splicing suggest that this variant may disrupt the consensus splice site, but this prediction has not been confirmed by published transcriptional studies.

Literature cited by the submitters: PubMed 16199547 (cited by Labcorp Genetics (formerly Invitae), Labcorp); PubMed 16909394 (cited by Labcorp Genetics (formerly Invitae), Labcorp); PubMed 17345604 (cited by Labcorp Genetics (formerly Invitae), Labcorp); PubMed 20690115 (cited by Labcorp Genetics (formerly Invitae), Labcorp); PubMed 25377065 (cited by Labcorp Genetics (formerly Invitae), Labcorp); PubMed 28559085 (cited by Labcorp Genetics (formerly Invitae), Labcorp).

NM_025114.4(CEP290):c.181-1G>A

Gene: CEP290 (centrosomal protein 290; minus strand). Cytogenetic location: 12q21.32.
Variant type: single nucleotide variant.
Coding change: c.181-1G>A on transcript NM_025114.4 (MANE Select); the canonical splice acceptor site of the intron before coding-DNA position 181, G replaced by A.
Molecular consequence: splice acceptor variant.
Genome position (GRCh38, 1-based): chr12:88,139,565, C>T on the plus strand (G>A on the coding strand, the complement: CEP290 is on the minus strand). VCF-style: chr12-88139565-C-T. GRCh37 (hg19) VCF-style: chr12-88533342-C-T.
Other names: c.181-1G>A (NM_025114.3).
Identifiers: ClinVar variation 1495394 (VCV001495394.10), dbSNP rs281865190, ClinGen allele CA6712882.
Genomic context (GRCh38, chr12:88,139,565, plus strand): 5'-TTGTTCTTCTCCAGCTTTTTCTACTTCTTCCAAAGCCAGCTCCACTTCTTGAGCTTTCAT[C>T]TAAACATTAAAAAAAGGTTATTTCAATATGCCTTTATACTGGAATGTAAGCACTGAAAAT-3'